The following is an entry in ClinVar:

ClinVar aggregate classification (germline): Uncertain significance (1 of 4 stars; one submission).

Allele frequency attached by ClinVar (database versions not stated): ExAC 0.00007; gnomAD 0.00005; ESP Exome Variant Server 0.00008; 1000 Genomes Project 30x 0.00016.
gnomAD v4.1: 134 of 1,613,772 alleles (0.0083%); highest among the groups gnomAD compares: Non-Finnish European, 0.01%; no homozygotes.

Submission:

Labcorp Genetics (formerly Invitae), Labcorp
Classification: Uncertain significance. Last evaluated: 2025-11-03. Review status: criteria provided, single submitter. Criteria: Invitae Variant Classification Sherloc (09022015). Collection method: clinical testing. Allele origin: germline.
Comment: This sequence change replaces proline, which is neutral and non-polar, with leucine, which is neutral and non-polar, at codon 446 of the HMCN1 protein (p.Pro446Leu). This variant is present in population databases (rs373879370, gnomAD 0.01%). This variant has not been reported in the literature in individuals affected with HMCN1-related conditions. ClinVar contains an entry for this variant (Variation ID: 2723561). An algorithm developed to predict the effect of missense changes on protein structure and function (PolyPhen-2) suggests that this variant is likely to be tolerated. In summary, the available evidence is currently insufficient to determine the role of this variant in disease. Therefore, it has been classified as a Variant of Uncertain Significance.

NM_031935.3(HMCN1):c.1337C>T (p.Pro446Leu)

Gene: HMCN1 (hemicentin 1; plus strand). Cytogenetic location: 1q31.1.
Variant type: single nucleotide variant.
Coding change: c.1337C>T on transcript NM_031935.3 (MANE Select); coding-DNA position 1337, C replaced by T.
Protein change: p.Pro446Leu; replaces proline 446 with leucine.
Molecular consequence: missense variant.
Genome position (GRCh38, 1-based): chr1:185,925,098, C>T. VCF-style: chr1-185925098-C-T. GRCh37 (hg19) VCF-style: chr1-185894230-C-T.
Other names: short protein forms P446L.
Identifiers: ClinVar variation 2723561 (VCV002723561.3), dbSNP rs373879370, ClinGen allele CA1291083.